The following is an entry in ClinVar:

NM_032043.3(BRIP1):c.507+3A>G

Gene: BRIP1 (BRCA1 interacting DNA helicase 1; minus strand). Cytogenetic location: 17q23.2.
Variant type: single nucleotide variant.
Coding change: c.507+3A>G on transcript NM_032043.3 (MANE Select); 3 bases into the intron after coding-DNA position 507, A replaced by G.
Molecular consequence: intron variant.
Genome position (GRCh38, 1-based): chr17:61,849,126, T>C on the plus strand (A>G on the coding strand, the complement: BRIP1 is on the minus strand). VCF-style: chr17-61849126-T-C. GRCh37 (hg19) VCF-style: chr17-59926487-T-C.
Identifiers: ClinVar variation 2954481 (VCV002954481.3), dbSNP rs2145761197, ClinGen allele CA2740093901.
Genomic context (GRCh38, chr17:61,849,126, plus strand): 5'-TACTTGACTACCATGTTCAGCTGTAACTAACTGGGTTATTTACTGCCAATAAACTCTGTT[T>C]ACCTGCTGTGTAGTTTCTAAGGGTCGAATTCTTTTCTTCTCTACTTGAAAATCATCATTT-3'

ClinVar aggregate classification (germline): Uncertain significance (1 of 4 stars; one submission).

Conditions:
Familial cancer of breast. Also called: BREAST CANCER, FAMILIAL; hereditary breast carcinoma; Hereditary breast cancer. Identifiers: Orphanet 227535, MedGen C0346153, MONDO:0016419, OMIM 114480. Disease mechanism: loss of function.
Fanconi anemia complementation group J. Also called: BRIP1-Related Fanconi Anemia. Identifiers: Orphanet 84, MedGen C1836860, MONDO:0012187, OMIM 609054.

Submission:

Labcorp Genetics (formerly Invitae), Labcorp
Classification: Uncertain significance for Familial cancer of breast; Fanconi anemia complementation group J. Last evaluated: 2023-12-08. Review status: criteria provided, single submitter. Criteria: Invitae Variant Classification Sherloc (09022015). Collection method: clinical testing. Allele origin: germline.
Comment: This sequence change falls in intron 5 of the BRIP1 gene. It does not directly change the encoded amino acid sequence of the BRIP1 protein. It affects a nucleotide within the consensus splice site. This variant is not present in population databases (gnomAD no frequency). This variant has not been reported in the literature in individuals affected with BRIP1-related conditions. Variants that disrupt the consensus splice site are a relatively common cause of aberrant splicing (PMID: 17576681, 9536098). Algorithms developed to predict the effect of sequence changes on RNA splicing suggest that this variant may disrupt the consensus splice site. In summary, the available evidence is currently insufficient to determine the role of this variant in disease. Therefore, it has been classified as a Variant of Uncertain Significance.

Literature cited by the submitters: PubMed 17576681; PubMed 9536098.